The following is an entry in ClinVar:

ClinVar aggregate classification (germline): Uncertain significance (1 of 4 stars; one submission).

Conditions:
Combined immunodeficiency due to DOCK8 deficiency (HIES2). Also called: HIES autosomal recessive; Hyper-IgE recurrent infection syndrome, autosomal recessive; HYPER-IgE SYNDROME 2, AUTOSOMAL RECESSIVE, WITH RECURRENT INFECTIONS; DOCK8 Deficiency; HYPER-IgE RECURRENT INFECTION SYNDROME 2, AUTOSOMAL RECESSIVE. Identifiers: Orphanet 217390, MedGen C4722305, MONDO:0009478, OMIM 243700.

Submission:

Labcorp Genetics (formerly Invitae), Labcorp
Classification: Uncertain significance for Combined immunodeficiency due to DOCK8 deficiency. Last evaluated: 2021-04-25. Review status: criteria provided, single submitter. Criteria: Invitae Variant Classification Sherloc (09022015). Collection method: clinical testing. Allele origin: germline.
Comment: In summary, the available evidence is currently insufficient to determine the role of this variant in disease. Therefore, it has been classified as a Variant of Uncertain Significance. Algorithms developed to predict the effect of missense changes on protein structure and function (SIFT, PolyPhen-2, Align-GVGD) all suggest that this variant is likely to be disruptive, but these predictions have not been confirmed by published functional studies and their clinical significance is uncertain. This variant has not been reported in the literature in individuals with DOCK8-related conditions. This variant is not present in population databases (ExAC no frequency). This sequence change replaces leucine with proline at codon 1319 of the DOCK8 protein (p.Leu1319Pro). The leucine residue is highly conserved and there is a moderate physicochemical difference between leucine and proline.

NM_203447.4(DOCK8):c.3956T>C (p.Leu1319Pro)

Gene: DOCK8 (dedicator of cytokinesis 8; plus strand). Cytogenetic location: 9p24.3.
Variant type: single nucleotide variant.
Coding change: c.3956T>C on transcript NM_203447.4 (MANE Select); coding-DNA position 3956, T replaced by C.
Protein change: p.Leu1319Pro; replaces leucine 1319 with proline.
Molecular consequence: missense variant.
Genome position (GRCh38, 1-based): chr9:420,516, T>C. VCF-style: chr9-420516-T-C. GRCh37 (hg19) VCF-style: chr9-420516-T-C.
Other names: c.3656T>C, p.Leu1219Pro (NM_001190458.2); c.3752T>C, p.Leu1251Pro (NM_001193536.2); short protein forms L1219P, L1251P, L1319P.
Identifiers: ClinVar variation 1348778 (VCV001348778.8), dbSNP rs2131638817, ClinGen allele CA372763986.